The following is an entry in ClinVar:

ClinVar aggregate classification (germline): Likely benign. Review status: criteria provided, multiple submitters, no conflicts (2 of 4 stars). 3 submissions from 3 submitters: Likely benign (2). 1 of the submissions does not count toward it. Last evaluated 2023-09-01.

Conditions:
LAMC3-related disorder. Also called: LAMC3-related condition.

Allele frequency attached by ClinVar (database versions not stated): gnomAD 0.00001; ExAC 0.00002; gnomAD exomes 0.00002 and 0.00003; TOPMed 0.00003.
gnomAD v4.1: 49 of 1,612,818 alleles (0.003%); highest among the groups gnomAD compares: East Asian, 0.0067%; no homozygotes.

Submissions (3):

CeGaT Center for Human Genetics Tuebingen
Classification: Likely benign. Last evaluated: 2023-09-01. Review status: criteria provided, single submitter. Criteria: CeGaT Center For Human Genetics Tuebingen Variant Classification Criteria Version 2. Collection method: clinical testing. Allele origin: germline. Affected: yes. Observed: 1 variant allele.
Comment: LAMC3: BP4, BP7

Labcorp Genetics (formerly Invitae), Labcorp
Classification: Likely benign. Last evaluated: 2023-05-20. Review status: criteria provided, single submitter. Criteria: Invitae Variant Classification Sherloc (09022015). Collection method: clinical testing. Allele origin: germline.

PreventionGenetics, part of Exact Sciences
Classification: Likely benign for LAMC3-related condition. Last evaluated: 2019-08-22. Review status: no assertion criteria provided. Collection method: clinical testing. Allele origin: germline. Not counted in ClinVar's aggregate classification.
Comment: This variant is classified as likely benign based on ACMG/AMP sequence variant interpretation guidelines (Richards et al. 2015 PMID: 25741868, with internal and published modifications).

NM_006059.4(LAMC3):c.2640C>T (p.Cys880=)

Gene: LAMC3 (laminin subunit gamma 3; plus strand). Cytogenetic location: 9q34.12.
Variant type: single nucleotide variant.
Coding change: c.2640C>T on transcript NM_006059.4 (MANE Select); coding-DNA position 2640, C replaced by T.
Protein change: p.Cys880=; no amino-acid change (cysteine 880 retained).
Molecular consequence: synonymous variant.
Genome position (GRCh38, 1-based): chr9:131,068,124, C>T. VCF-style: chr9-131068124-C-T. GRCh37 (hg19) VCF-style: chr9-133943511-C-T.
Identifiers: ClinVar variation 752231 (VCV000752231.32), dbSNP rs770821754, ClinGen allele CA5287519.
Genomic context (GRCh38, chr9:131,068,124, plus strand): 5'-GCTCCTGCCCCCAGCTTGCAGCTGTCACCCACAGGGCTCGGTCAGTGAGCAGATGCCCTG[C>T]GACCCAGTGACAGGCCAATGCTCCTGCCTGCCTCATGTGACTGCACGGGACTGCAGCCGC-3'
Protein context (NP_006050.3, residues 870-890): PQGSVSEQMP[Cys880=]DPVTGQCSCL